The following is an entry in ClinVar:

NM_000204.5(CFI):c.1437_1440del (p.Arg480fs)

Gene: CFI (complement factor I; minus strand). Cytogenetic location: 4q25.
Variant type: Deletion.
Coding change: c.1437_1440del on transcript NM_000204.5 (MANE Select); coding-DNA positions 1437 to 1440, 4 bases deleted (AAGA; older notation c.1437_1440delAAGA).
Protein change: p.Arg480fs; shifts the reading frame from arginine 480.
Molecular consequence: frameshift variant. On other transcripts: non-coding transcript variant (3).
Genome position (GRCh38, 1-based): chr4:109,742,585-109,742,588, TCTT deleted on the plus strand (AAGA on the coding strand, the reverse complement: CFI is on the minus strand); deleting any 4 consecutive bases within chr4:109,742,585-109,742,590 gives the same sequence; the c. name uses the placement nearest the transcript's 3' end. VCF-style (leftmost placement, unchanged base first): chr4-109742584-CTCTT-C. GRCh37 (hg19) VCF-style: chr4-110663740-CTCTT-C.
Other names: c.1461_1464del, p.Arg488fs (NM_001318057.2, NM_001375278.1); c.1416_1419del, p.Arg473fs (NM_001331035.2, NM_001375280.1, NM_001375282.1); c.1437_1440del, p.Arg480fs (NM_001375279.1, NM_001375281.1); c.1380_1383del, p.Arg461fs (NM_001375283.1); c.828_831del, p.Arg277fs (NM_001375284.1); short protein forms R277fs, R461fs, R473fs, R480fs, R488fs.
Identifiers: ClinVar variation 3907689 (VCV003907689.1).

ClinVar aggregate classification (germline): Likely pathogenic (1 of 4 stars; one submission).

Conditions:
Age related macular degeneration 13. Identifiers: MedGen C3809523, MONDO:0014189, OMIM 615439.

Submission:

MVZ Medizinische Genetik Mainz
Classification: Likely pathogenic for Age related macular degeneration 13. Last evaluated: 2025-04-15. Review status: criteria provided, single submitter. Criteria: UK Practice Guidelines For Variant Classification V4 01 2020. Collection method: clinical testing. Allele origin: germline. Inheritance: Autosomal dominant inheritance. Affected: yes. Observed: 1 variant allele.
Comment: ACMG Criteria: PVS1,PM2_SUP